The following is an entry in ClinVar:

ClinVar aggregate classification (germline): Uncertain significance. Review status: criteria provided, single submitter (1 of 4 stars). 2 submissions from 2 submitters: Uncertain significance (1). 1 of the submissions does not count toward it. Last evaluated 2022-06-27.

Conditions:
Nemaline myopathy 2 (NEM2). Also called: Nemaline myopathy 2, autosomal recessive. Identifiers: MedGen C1850569, MONDO:0009725, OMIM 256030.

Allele frequency attached by ClinVar (database versions not stated): TOPMed 0.00002; ESP Exome Variant Server 0.00008.
gnomAD v4.1: 8 of 1,608,824 alleles (0.0005%); highest among the groups gnomAD compares: African/African-American, 0.0067%; no homozygotes.

Submissions (2):

Labcorp Genetics (formerly Invitae), Labcorp
Classification: Uncertain significance for Nemaline myopathy 2. Last evaluated: 2022-06-27. Review status: criteria provided, single submitter. Criteria: Invitae Variant Classification Sherloc (09022015). Collection method: clinical testing. Allele origin: germline.
Comment: This sequence change falls in intron 115 of the NEB gene. It does not directly change the encoded amino acid sequence of the NEB protein. It affects a nucleotide within the consensus splice site. The frequency data for this variant in the population databases is considered unreliable, as metrics indicate poor data quality at this position in the gnomAD database. This variant has not been reported in the literature in individuals affected with NEB-related conditions. ClinVar contains an entry for this variant (Variation ID: 841313). Variants that disrupt the consensus splice site are a relatively common cause of aberrant splicing (PMID: 17576681, 9536098). Algorithms developed to predict the effect of sequence changes on RNA splicing suggest that this variant may disrupt the consensus splice site. In summary, the available evidence is currently insufficient to determine the role of this variant in disease. Therefore, it has been classified as a Variant of Uncertain Significance.

Natera, Inc.
Classification: Uncertain significance for Nemaline myopathy type 2. Last evaluated: 2020-01-17. Review status: no assertion criteria provided. Collection method: clinical testing. Allele origin: germline. Not counted in ClinVar's aggregate classification.

Literature cited by the submitters: PubMed 17576681 (cited by Labcorp Genetics (formerly Invitae), Labcorp); PubMed 9536098 (cited by Labcorp Genetics (formerly Invitae), Labcorp).

NM_001164508.2(NEB):c.18261+5G>A

Gene: NEB (nebulin; minus strand). Cytogenetic location: 2q23.3.
Variant type: single nucleotide variant.
Coding change: c.18261+5G>A on transcript NM_001164508.2 (MANE Select); 5 bases into the intron after coding-DNA position 18261, G replaced by A.
Molecular consequence: intron variant.
Genome position (GRCh38, 1-based): chr2:151,565,711, C>T on the plus strand (G>A on the coding strand, the complement: NEB is on the minus strand). VCF-style: chr2-151565711-C-T. GRCh37 (hg19) VCF-style: chr2-152422225-C-T.
Other names: c.13158+5G>A (NM_004543.5); c.18261+5G>A (NM_001164507.2, NM_001271208.2).
Identifiers: ClinVar variation 841313 (VCV000841313.6), dbSNP rs375167899, ClinGen allele CA1908005.